The following is an entry in ClinVar:

NM_005422.4(TECTA):c.90A>T (p.Pro30=)

Genes: TBCEL-TECTA (TBCEL-TECTA readthrough; plus strand), TECTA (tectorin alpha; plus strand). Cytogenetic location: 11q23.3.
Variant type: single nucleotide variant.
Coding change: c.90A>T on transcript NM_005422.4 (MANE Select); coding-DNA position 90, A replaced by T.
Protein change: p.Pro30=; no amino-acid change (proline 30 retained).
Molecular consequence: synonymous variant.
Genome position (GRCh38, 1-based): chr11:121,105,856, A>T. VCF-style: chr11-121105856-A-T. GRCh37 (hg19) VCF-style: chr11-120976565-A-T.
Other names: c.1047A>T, p.Pro349= (NM_001378761.1).
Identifiers: ClinVar variation 667171 (VCV000667171.14), dbSNP rs577470721, ClinGen allele CA6326421.

ClinVar aggregate classification (germline): Conflicting classifications of pathogenicity. Review status: criteria provided, conflicting classifications (1 of 4 stars). 6 submissions from 5 submitters: Uncertain significance (1); Benign (1); Likely benign (4). Last evaluated 2025-11-18.

Conditions:
TECTA-related disorder. Also called: TECTA-related condition.
Autosomal dominant nonsyndromic hearing loss 12. Also called: DEAFNESS, AUTOSOMAL DOMINANT 8. Identifiers: Orphanet 90635, MedGen C1832187, MONDO:0011102, OMIM 601543.
Autosomal recessive nonsyndromic hearing loss 21. Identifiers: Orphanet 90636, MedGen C1863655, MONDO:0011351, OMIM 603629.

Allele frequency attached by ClinVar (database versions not stated): 1000 Genomes Project 0.00040; gnomAD exomes 0.00044; ExAC 0.00052; 1000 Genomes Project 30x 0.00062; gnomAD below 0.00001 and 0.00011; TOPMed 0.00001.
gnomAD v4.1: 324 of 1,614,174 alleles (0.02%); highest among the groups gnomAD compares: South Asian, 0.34%; 5 homozygotes.

Submissions (6):

PreventionGenetics, part of Exact Sciences
Classification: Likely benign for TECTA-related condition. Last evaluated: 2025-11-18. Review status: criteria provided, single submitter. Criteria: ACMG Guidelines, 2015. Collection method: clinical testing. Allele origin: germline.
Comment: This variant is classified as likely benign based on ACMG/AMP sequence variant interpretation guidelines (Richards et al. 2015 PMID: 25741868, with internal and published modifications).

Labcorp Genetics (formerly Invitae), Labcorp
Classification: Benign. Last evaluated: 2024-09-28. Review status: criteria provided, single submitter. Criteria: Invitae Variant Classification Sherloc (09022015). Collection method: clinical testing. Allele origin: germline.

GeneDx
Classification: Likely benign. Last evaluated: 2021-01-15. Review status: criteria provided, single submitter. Criteria: GeneDx Variant Classification Process June 2021. Collection method: clinical testing. Allele origin: germline. Affected: yes.

Illumina Laboratory Services, Illumina
Classification: Uncertain significance for Autosomal recessive nonsyndromic hearing loss 21. Last evaluated: 2018-01-13. Review status: criteria provided, single submitter. Criteria: ICSL Variant Classification Criteria 13 December 2019. Collection method: clinical testing. Allele origin: germline.

Illumina Laboratory Services, Illumina
Classification: Likely benign for Autosomal dominant nonsyndromic hearing loss 12. Last evaluated: 2018-01-13. Review status: criteria provided, single submitter. Criteria: ICSL Variant Classification Criteria 13 December 2019. Collection method: clinical testing. Allele origin: germline.
Comment: This variant was observed in the ICSL laboratory as part of a predisposition screen in an ostensibly healthy population. It had not been previously curated by ICSL or reported in the Human Gene Mutation Database (HGMD: prior to June 1st, 2018), and was therefore a candidate for classification through an automated scoring system. Utilizing variant allele frequency, disease prevalence and penetrance estimates, and inheritance mode, an automated score was calculated to assess if this variant is too frequent to cause the disease. Based on the score and internal cut-off values, a variant classified as likely benign is not then subjected to further curation. The score for this variant resulted in a classification of likely benign for this disease.

Laboratory for Molecular Medicine, Mass General Brigham Personalized Medicine
Classification: Likely benign. Last evaluated: 2017-08-23. Review status: criteria provided, single submitter. Criteria: LMM Criteria. Collection method: clinical testing. Allele origin: germline. Observed: 1 variant allele.
Comment: p.Pro30Pro in exon 2 of TECTA: This variant is not expected to have clinical sig nificance because it does not alter an amino acid residue and is not located wit hin the splice consensus sequence. It has been identified in 0.38% (62/16508) of South Asian chromosomes by the Exome Aggregation Consortium (ExAC.; dbSNP rs577470721).